The following is an entry in ClinVar:

ClinVar aggregate classification (germline): Uncertain significance (1 of 4 stars; one submission).

Conditions:
Inborn genetic diseases. Identifiers: MedGen C0950123, MeSH D030342.

gnomAD v4.1: 1 of 1,614,056 alleles (0.000062%); highest among the groups gnomAD compares: South Asian, 0.0011%; no homozygotes.

Submission:

Ambry Genetics
Classification: Uncertain significance for Inborn genetic diseases. Last evaluated: 2026-03-21. Review status: criteria provided, single submitter. Criteria: Ambry Variant Classification Scheme 2023. Collection method: clinical testing. Allele origin: germline.
Comment: The p.M274R variant (also known as c.821T>G), located in coding exon 9 of the ACADM gene, results from a T to G substitution at nucleotide position 821. The methionine at codon 274 is replaced by arginine, an amino acid with similar properties. This amino acid position is conserved. In addition, this alteration is predicted to be deleterious by in silico analysis. Based on the available evidence, the clinical significance of this variant remains unclear.

NM_000016.6(ACADM):c.821T>G (p.Met274Arg)

Gene: ACADM (acyl-CoA dehydrogenase medium chain; plus strand). Cytogenetic location: 1p31.1.
Variant type: single nucleotide variant.
Coding change: c.821T>G on transcript NM_000016.6 (MANE Select); coding-DNA position 821, T replaced by G.
Protein change: p.Met274Arg; replaces methionine 274 with arginine.
Molecular consequence: missense variant.
Genome position (GRCh38, 1-based): chr1:75,749,531, T>G. VCF-style: chr1-75749531-T-G. GRCh37 (hg19) VCF-style: chr1-76215216-T-G.
Other names: c.833T>G, p.Met278Arg (NM_001127328.3); c.713T>G, p.Met238Arg (NM_001286042.2); c.920T>G, p.Met307Arg (NM_001286043.2); c.254T>G, p.Met85Arg (NM_001286044.2); short protein forms M238R, M274R, M278R, M307R, M85R.
Identifiers: ClinVar variation 4865859 (VCV004865859.1).
Genomic context (GRCh38, chr1:75,749,531, plus strand): 5'-ATGTGAAAGTGCCTAAAGAAAATGTTTTAATTGGTGACGGAGCTGGTTTCAAAGTTGCAA[T>G]GGGAGCTTTTGATAAAACCAGACCTGTAGTAAGTAATATGGGTTCATAATCTTTATAGGA-3'
Protein context (NP_000007.1, residues 264-284): IGDGAGFKVA[Met274Arg]GAFDKTRPVV